The following is an entry in ClinVar:

ClinVar aggregate classification (germline): Pathogenic/Likely pathogenic. Review status: criteria provided, multiple submitters, no conflicts (2 of 4 stars). 9 submissions from 9 submitters: Pathogenic (3); Likely pathogenic (3). 3 of the submissions do not count toward it. Last evaluated 2025-12-23.

Conditions:
Primary hyperoxaluria, type I (HP1). Also called: GLYCOLIC ACIDURIA; HEPATIC AGT DEFICIENCY; OXALOSIS I; Primary hyperoxaluria type 1. Identifiers: Orphanet 416, Orphanet 93598, MedGen C0268164, MONDO:0009823, OMIM 259900. Disease mechanism: loss of function.

Allele frequency attached by ClinVar (database versions not stated): gnomAD 0.00006 and 0.00005; TOPMed 0.00005.
gnomAD v4.1: 34 of 1,613,286 alleles (0.0021%); highest among the groups gnomAD compares: Admixed American, 0.01%; no homozygotes.

Submissions (9):

Labcorp Genetics (formerly Invitae), Labcorp
Classification: Pathogenic. Last evaluated: 2025-12-23. Review status: criteria provided, single submitter. Criteria: Invitae Variant Classification Sherloc (09022015). Collection method: clinical testing. Allele origin: germline.
Comment: This sequence change replaces arginine, which is basic and polar, with histidine, which is basic and polar, at codon 233 of the AGXT protein (p.Arg233His). This variant is present in population databases (rs121908527, gnomAD 0.008%). This missense change has been observed in individual(s) with primary hyperoxaluria (PMID: 9192270, 17495019, 25629080). ClinVar contains an entry for this variant (Variation ID: 5648). Invitae Evidence Modeling of protein sequence and biophysical properties (such as structural, functional, and spatial information, amino acid conservation, physicochemical variation, residue mobility, and thermodynamic stability) indicates that this missense variant is expected to disrupt AGXT protein function with a positive predictive value of 80%. Experimental studies have shown that this missense change affects AGXT function (PMID: 17495019, 18448374). This variant disrupts the p.Arg233 amino acid residue in AGXT. Other variant(s) that disrupt this residue have been determined to be pathogenic (PMID: 9192270, 17495019, 18282470, 18448374, 25629080). This suggests that this residue is clinically significant, and that variants that disrupt this residue are likely to be disease-causing. For these reasons, this variant has been classified as Pathogenic.

Dasa
Classification: Likely pathogenic. Last evaluated: 2025-12-11. Review status: criteria provided, single submitter. Criteria: DASA Assertion Criteria. Collection method: clinical testing. Allele origin: germline.
Comment: NM_000030.3(AGXT):c.698G>A (p.Arg233His) is a missense variant that results in the substitution of arginine with histidine. The affected residue or protein region has prior evidence supporting clinical relevance. This variant has been recurrently observed in individuals with AGXT-related disorders (PMID: 9192270; PMID: 17495019; PMID: 25629080). Functional evidence supports an impact on the gene or gene product (PMID: 17495019; PMID: 25629080). Also, this variant is rare in population databases. Computational evidence supports a deleterious effect. Based on the currently available evidence, this variant is classified as likely pathogenic.

Natera, Inc.
Classification: Likely pathogenic for Primary hyperoxaluria type I. Last evaluated: 2025-11-18. Review status: criteria provided, single submitter. Criteria: Natera Variant Classification Schema (03/2026). Collection method: clinical testing. Allele origin: germline.
Comment: The c.698G>A variant in AGXT is a missense variant predicted to cause substitution of arginine to histidine at amino acid 233. This variant is rare in the general population with a frequency below the threshold expected for the associated phenotype(s). This variant has been observed in one or more individuals affected with the associated recessive disease, as either homozygous or compound heterozygous with a second variant (PMID: 17495019, 25629080, 35678848). Functional studies show that this variant may disrupt protein function (PMID: 17495019). A different variant at the same position has been determined to be Pathogenic or Likely Pathogenic. Given the available evidence, this variant is classified as Likely Pathogenic.

CeGaT Center for Human Genetics Tuebingen
Classification: Pathogenic. Last evaluated: 2025-04-01. Review status: criteria provided, single submitter. Criteria: CeGaT Center For Human Genetics Tuebingen Variant Classification Criteria Version 2. Collection method: clinical testing. Allele origin: germline. Affected: yes. Observed: 1 variant allele.
Comment: AGXT: PM3:Strong, PM1, PM2, PM5, PS3:Supporting

Fulgent Genetics
Classification: Pathogenic for Primary hyperoxaluria, type I. Last evaluated: 2024-04-05. Review status: criteria provided, single submitter. Criteria: ACMG Guidelines, 2015. Collection method: clinical testing. Allele origin: germline.

Juno Genomics, Hangzhou Juno Genomics, Inc
Classification: Likely pathogenic for Primary hyperoxaluria, type I. Review status: criteria provided, single submitter. Criteria: ACMG Guidelines, 2015. Collection method: clinical testing. Allele origin: germline.
Comment: Absent from controls (or at extremely low frequency if recessive) in Genome Aggregation Database.;Well-established in vitro or in vivo functional studies supportive of a damaging effect on the gene or gene product.;Novel missense change at an amino acid residue where a different missense change determined to be pathogenic has been seen before.;For recessive disorders, detected in trans with a pathogenic variant.;Patient's phenotype or family history is highly specific for a disease with a single genetic etiology.

Counsyl
Classification: Likely pathogenic for Primary hyperoxaluria, type I. Last evaluated: 2016-05-24. Review status: no assertion criteria provided. Collection method: clinical testing. Allele origin: unknown. Not counted in ClinVar's aggregate classification.

Clinical Biochemistry Laboratory, Health Services Laboratory
Classification: Pathogenic for Primary hyperoxaluria, type I. Last evaluated: 2014-11-27. Review status: no assertion criteria provided. Collection method: in vitro. Allele origin: germline. Affected: yes. Not counted in ClinVar's aggregate classification.

OMIM
Classification: Pathogenic for HYPEROXALURIA, PRIMARY, TYPE I. Last evaluated: 1997-06-01. Review status: no assertion criteria provided. Collection method: literature only. Allele origin: germline. Not counted in ClinVar's aggregate classification.

Literature cited by the submitters: PubMed 9192270 (cited by 5 submitters); PubMed 17495019 (cited by 5 submitters); PubMed 25629080 (cited by 4 submitters); PubMed 18448374 (cited by 3 submitters); PubMed 18282470 (cited by Labcorp Genetics (formerly Invitae), Labcorp); PubMed 35678848 (cited by Natera, Inc.); PubMed 24988064 (cited by Counsyl).

NM_000030.3(AGXT):c.698G>A (p.Arg233His)

Gene: AGXT (alanine--glyoxylate aminotransferase; plus strand). Cytogenetic location: 2q37.3.
Variant type: single nucleotide variant.
Coding change: c.698G>A on transcript NM_000030.3 (MANE Select); coding-DNA position 698, G replaced by A.
Protein change: p.Arg233His; replaces arginine 233 with histidine.
Molecular consequence: missense variant.
Genome position (GRCh38, 1-based): chr2:240,875,126, G>A. VCF-style: chr2-240875126-G-A. GRCh37 (hg19) VCF-style: chr2-241814543-G-A.
Other names: short protein forms R233H.
Identifiers: ClinVar variation 5648 (VCV000005648.26), dbSNP rs121908527, ClinGen allele CA253545.